The following is an entry in ClinVar:

ClinVar aggregate classification (germline): Likely benign (1 of 4 stars; one submission).

Allele frequency attached by ClinVar (database versions not stated): 1000 Genomes Project 0.00060; gnomAD exomes 0.00062; gnomAD 0.00063; 1000 Genomes Project 30x 0.00078; TOPMed 0.00078; ExAC 0.00438.
gnomAD v4.1: 984 of 1,460,810 alleles (0.067%); highest among the groups gnomAD compares: Middle Eastern, 1.1%; 5 homozygotes.

Submission:

CeGaT Center for Human Genetics Tuebingen
Classification: Likely benign. Last evaluated: 2023-01-01. Review status: criteria provided, single submitter. Criteria: CeGaT Center For Human Genetics Tuebingen Variant Classification Criteria Version 2. Collection method: clinical testing. Allele origin: germline. Affected: yes. Observed: 1 variant allele.
Comment: MFSD2B: BP4, BP7

NM_001346880.2(MFSD2B):c.21A>G (p.Pro7=)

Gene: MFSD2B (MFSD2 lysolipid transporter B, sphingolipid; plus strand). Cytogenetic location: 2p23.3.
Variant type: single nucleotide variant.
Coding change: c.21A>G on transcript NM_001346880.2 (MANE Select); coding-DNA position 21, A replaced by G.
Protein change: p.Pro7=; no amino-acid change (proline 7 retained).
Molecular consequence: synonymous variant.
Genome position (GRCh38, 1-based): chr2:24,010,117, A>G. VCF-style: chr2-24010117-A-G. GRCh37 (hg19) VCF-style: chr2-24232987-A-G.
Identifiers: ClinVar variation 2650712 (VCV002650712.24), dbSNP rs543378642, ClinGen allele CA1548329.